The following continues an entry in ClinVar:

NM_001005242.3(PKP2):c.1237C>T (p.Arg413Ter)

Gene: PKP2. ClinVar aggregate classification (germline): Pathogenic. Pathogenic (18).

Submissions 9 to 19 of 19:

Ambry Genetics
Classification: Pathogenic for Cardiovascular phenotype. Last evaluated: 2024-03-04. Review status: criteria provided, single submitter. Criteria: Ambry Variant Classification Scheme 2023. Collection method: clinical testing. Allele origin: germline.
Comment: The p.R413* pathogenic mutation (also known as c.1237C>T), located in coding exon 5 of the PKP2 gene, results from a C to T substitution at nucleotide position 1237. This changes the amino acid from an arginine to a stop codon within coding exon 5. This alteration has been described in multiple unrelated individuals with confirmed or suspected arrhythmogenic right ventricular cardiomyopathy, and has also been reported to segregate with disease in several families (Syrris P et al. Circulation. 2006;113(3):356-64; den Haan AD et al. Circ Cardiovasc Genet. 2009;2(5):428-35; Unsoeld B et al. Circulation. 2009;120:S618; Fressart V et al. Europace. 2010;12(6):861-8; Quarta G et al. Circulation. 2011;123(23):2701-9; Campuzano O et al. Forensic Sci Int. 2014;245C:30-37; te Riele AS et al. JACC:Clin Electrophysiol. 2015;1(6):551-60; Campuzano O et al. Front Genet. 2019 May;10:450). In addition to the clinical data presented in the literature, this alteration is expected to result in loss of function by premature protein truncation or nonsense-mediated mRNA decay. As such, this alteration is interpreted as a disease-causing mutation.

Laboratory for Molecular Medicine, Mass General Brigham Personalized Medicine
Classification: Pathogenic for Arrhythmogenic right ventricular cardiomyopathy. Last evaluated: 2023-09-29. Review status: criteria provided, single submitter. Criteria: ACMG Guidelines, 2015. Collection method: clinical testing. Allele origin: germline.
Comment: The p.Arg413X variant in PKP2 has been identified in multiple individuals with ARVC and segregated with disease in at least 4 affected relatives from three families (Syrris 2006 PMID: 16415378, Unsold 2006, Unsoeld 2009, den Haan 2009 PMID: 20031617, Fressart 2010 PMID: 20400443, Tan 2010 PMID: 20857253, Quarta 2011 PMID: 21606390, Baskin 2013 PMID: 23812740, Philips 2014 PMID: 24585727, Campuzano 2014 PMID: 25447171, Walsh 2017 PMID: 27532257, LMM data). This variant has also been reported by multiple clinical laboratories in ClinVar (Variation ID 45016) and has been identified in 0.01% (4/41436) of African chromosomes by gnomAD (v.3.1.2). Overexpression of this variant in mice increased right ventricular size and shortened ventricular action potential durations (Unsoeld 2009). This nonsense variant leads to a premature termination codon at position 413, which is predicted to lead to a truncated or absent protein. Heterozygous loss of function of the PKP2 gene is an established disease mechanism in autosomal dominant ARVC. In summary, this variant meets criteria to be classified as pathogenic for autosomal dominant ARVC. ACMG/AMP Criteria applied: PVS1, PS4, PS3_Moderate, PM2_Supporting, PP1.

GeneDx
Classification: Pathogenic. Last evaluated: 2022-02-03. Review status: criteria provided, single submitter. Criteria: GeneDx Variant Classification Process June 2021. Collection method: clinical testing. Allele origin: germline. Affected: yes.
Comment: Observed in multiple unrelated patients with ARVC referred for genetic testing at GeneDx and in published literature (Syrris et al., 2006; den Haan et al., 2009; Unsoeld et al., 2009; Fressart et al., 2010; Tan et al., 2010; Quarta et al., 2011; Philips et al., 2014; Alcalde et al., 2014; Walsh et al., 2017); Not observed at significant frequency in large population cohorts (gnomAD); Nonsense variant predicted to result in protein truncation or nonsense mediated decay in a gene for which loss-of-function is a known mechanism of disease; This variant is associated with the following publications: (PMID: 21606390, 27831900, 23299917, 25447171, 25637381, 25525159, 24967631, 20031617, 20857253, 20400443, 24585727, 16415378, 27532257, 28471438, 23812740, 32659924, 32372669, 31386562, 31402444, 31156706, 33684294, 26314686, 29997227, 30790397, 28588093, 29606362, 33087929, 32686758, 33232181, 26582918, 27535533)

Fulgent Genetics
Classification: Pathogenic for Arrhythmogenic right ventricular dysplasia 9. Last evaluated: 2021-12-07. Review status: criteria provided, single submitter. Criteria: ACMG Guidelines, 2015. Collection method: clinical testing. Allele origin: unknown.

Women's Health and Genetics/Laboratory Corporation of America, LabCorp
Classification: Pathogenic for Familial isolated arrhythmogenic right ventricular dysplasia. Last evaluated: 2021-11-07. Review status: criteria provided, single submitter. Criteria: LabCorp Variant Classification Summary - May 2015. Collection method: clinical testing. Allele origin: germline.
Comment: Variant summary: PKP2 c.1237C>T (p.Arg413X) results in a premature termination codon, predicted to cause a truncation of the encoded protein or absence of the protein due to nonsense mediated decay, which are commonly known mechanisms for disease. Truncations downstream of this position have been classified as pathogenic by our laboratory. The variant allele was found at a frequency of 1.2e-05 in 252358 control chromosomes. c.1237C>T has been reported in the literature in multiple individuals affected with Arrhythmogenic Right Ventricular Dysplasia/Cardiomyopathy (example, Syrris_2006, Fressart_2010, den Haan_2009, Tan_2010, Unsoeld_2006, Unsoeld_2009). These data indicate that the variant is very likely to be associated with disease. At least one publication reports experimental evidence evaluating an impact on protein function in an animal model. The most pronounced variant effect results in a recapitulation of the right ventricular phenotype in a transgenic mouse overexpressing this variant (Unsoeld_2009). Nine clinical diagnostic laboratories have submitted clinical-significance assessments for this variant to ClinVar after 2014 without evidence for independent evaluation. All laboratories classified the variant as pathogenic. Based on the evidence outlined above, the variant was classified as pathogenic.

Revvity Omics, Revvity
Classification: Pathogenic for Arrhythmogenic right ventricular dysplasia 9. Last evaluated: 2020-01-20. Review status: criteria provided, single submitter. Criteria: ACMG Guidelines, 2015. Collection method: clinical testing. Allele origin: germline.

HudsonAlpha Institute for Biotechnology
Classification: Pathogenic for Arrhythmogenic right ventricular dysplasia 9. Last evaluated: 2020-01-14. Review status: criteria provided, single submitter. Criteria: ACMG Guidelines, 2015. Collection method: research. Allele origin: unknown. Observed: 1 variant allele. Study: AGHI_GT.

CHEO Genetics Diagnostic Laboratory, Children's Hospital of Eastern Ontario
Classification: Pathogenic for Cardiomyopathy. Last evaluated: 2019-06-17. Review status: criteria provided, single submitter. Criteria: ACMG Guidelines, 2015. Collection method: clinical testing. Allele origin: germline.

Illumina Laboratory Services, Illumina
Classification: Pathogenic for Arrhythmogenic right ventricular dysplasia 9. Last evaluated: 2018-08-29. Review status: criteria provided, single submitter. Criteria: ICSL Variant Classification Criteria 09 May 2019. Collection method: clinical testing. Allele origin: germline.
Comment: The PKP2 c.1237C>T (p.Arg413Ter) variant is a stop-gained variant that is predicted to result in a premature termination of the protein. Across a selection of available literature, the p.Arg413Ter variant has been reported in a heterozygous state in over ten individuals with arrhythmogenic right ventricular cardiomyopathy and in one individual from a cohort of probands who died from sudden cardiac death (Syrris et al. 2006; den Haan et al. 2009; Fressart et al. 2010; Quarta et al. 2011; Alcade et al. 2014; Philips et al. 2014; Campuzano et al. 2014). The p.Arg413Ter variant was absent from 1500 control subjects and is reported at a frequency of 0.000014 in the African population of the Genome Aggregation Database. Based on the clinical evidence and the potential impact of stop-gained variants, the p.Arg413Ter variant is classified as pathogenic for arrhythmogenic right ventricular cardiomyopathy. This variant was observed by ICSL as part of a predisposition screen in an ostensibly healthy population.

Stanford Center for Inherited Cardiovascular Disease, Stanford University
Classification: Pathogenic. Review status: criteria provided, single submitter. Criteria: ACMG Guidelines, 2015. Collection method: provider interpretation. Allele origin: germline.

CSER _CC_NCGL, University of Washington
Classification: Likely pathogenic for Arrhythmogenic right ventricular dysplasia. Last evaluated: 2014-06-01. Review status: no assertion criteria provided. Collection method: research. Allele origin: germline. Inheritance: Autosomal dominant inheritance. Study: ESP 6500 variant annotation. Not counted in ClinVar's aggregate classification.
Comment: Variants classified for the Actionable exomic incidental findings in 6503 participants: challenges of variant classification manuscript

Literature cited by the submitters: PubMed 15489853 (cited by Labcorp Genetics (formerly Invitae), Labcorp); PubMed 17041889 (cited by Labcorp Genetics (formerly Invitae), Labcorp); PubMed 23911551 (cited by Labcorp Genetics (formerly Invitae), Labcorp); PubMed 20400443 (cited by 8 submitters); PubMed 20857253 (cited by 6 submitters); PubMed 21606390 (cited by 7 submitters); PubMed 24967631 (cited by 6 submitters); PubMed 29997227 (cited by 3 submitters); PubMed 31156706 (cited by 3 submitters); PubMed 31319917 (cited by All of Us Research Program, National Institutes of Health and Color Diagnostics, LLC DBA Color Health); PubMed 32659924 (cited by All of Us Research Program, National Institutes of Health and Color Diagnostics, LLC DBA Color Health); PubMed 34191271 (cited by All of Us Research Program, National Institutes of Health and Color Diagnostics, LLC DBA Color Health); PubMed 16415378 (cited by 4 submitters); PubMed 20031617 (cited by 4 submitters); PubMed 23671136 (cited by Ambry Genetics); PubMed 23812740 (cited by Ambry Genetics and Laboratory for Molecular Medicine, Mass General Brigham Personalized Medicine); PubMed 24585727 (cited by 3 submitters); PubMed 25447171 (cited by 3 submitters); PubMed 27831900 (cited by Ambry Genetics); PubMed 27532257 (cited by Laboratory for Molecular Medicine, Mass General Brigham Personalized Medicine); PubMed 25637381 (cited by Women's Health and Genetics/Laboratory Corporation of America, LabCorp).